The following is an entry in ClinVar:

ClinVar aggregate classification (germline): Pathogenic (1 of 4 stars; one submission).

Conditions:
Ectodermal dysplasia 10A, hypohidrotic/hair/nail type, autosomal dominant (ECTD10A). Also called: Ectodermal Dysplasia 3, Anhidrotic. Identifiers: Orphanet 1810, Orphanet 238468, MedGen C3888065, MONDO:0007509, OMIM 129490.
Autosomal recessive hypohidrotic ectodermal dysplasia syndrome. Also called: Autosomal recessive hypohidrotic ectodermal dysplasia. Identifiers: Orphanet 248, MedGen C0406702, MONDO:0016619.

Submissions (2):

Labcorp Genetics (formerly Invitae), Labcorp
Classification: Pathogenic for Ectodermal dysplasia 10A, hypohidrotic/hair/nail type, autosomal dominant; Autosomal recessive hypohidrotic ectodermal dysplasia syndrome. Last evaluated: 2023-07-14. Review status: criteria provided, single submitter. Criteria: Invitae Variant Classification Sherloc (09022015). Collection method: clinical testing. Allele origin: germline.
Comment: This variant is not present in population databases (gnomAD no frequency). For these reasons, this variant has been classified as Pathogenic. This variant disrupts a region of the EDAR protein in which other variant(s) (p.Phe398*) have been determined to be pathogenic (PMID: 23401279, 24641098). This suggests that this is a clinically significant region of the protein, and that variants that disrupt it are likely to be disease-causing. Variants that disrupt the consensus splice site are a relatively common cause of aberrant splicing (PMID: 17576681, 9536098). Algorithms developed to predict the effect of sequence changes on RNA splicing suggest that this variant may disrupt the consensus splice site. ClinVar contains an entry for this variant (Variation ID: 463874). This variant has not been reported in the literature in individuals affected with EDAR-related conditions. This sequence change affects a donor splice site in intron 11 of the EDAR gene. While this variant is not anticipated to result in nonsense mediated decay, it likely alters RNA splicing and results in a disrupted protein product.

Dr. Peter K. Rogan Lab, Western University
No classification provided (evidence only). Condition: Melanoma. Review status: no classification provided. Collection method: in vitro. Allele origin: not applicable. Functional consequence: retained intron. Not counted in ClinVar's aggregate classification.

Literature cited by the submitters: PubMed 23401279 (cited by Labcorp Genetics (formerly Invitae), Labcorp); PubMed 24641098 (cited by Labcorp Genetics (formerly Invitae), Labcorp); PubMed 17576681 (cited by Labcorp Genetics (formerly Invitae), Labcorp); PubMed 9536098 (cited by Labcorp Genetics (formerly Invitae), Labcorp).

NM_022336.4(EDAR):c.1024+1G>A

Genes: EDAR (ectodysplasin A receptor; minus strand), RANBP2 (RAN binding protein 2; plus strand). Cytogenetic location: 2q13.
Variant type: single nucleotide variant.
Coding change: c.1024+1G>A on transcript NM_022336.4 (MANE Select); the canonical splice donor site of the intron after coding-DNA position 1024, G replaced by A.
Molecular consequence: splice donor variant.
Genome position (GRCh38, 1-based): chr2:108,906,307, C>T on the plus strand (G>A on the coding strand, the complement: EDAR is on the minus strand). VCF-style: chr2-108906307-C-T. GRCh37 (hg19) VCF-style: chr2-109522763-C-T.
Identifiers: ClinVar variation 463874 (VCV000463874.49), dbSNP rs1553444895, ClinGen allele CA348050306.